The following is an entry in ClinVar:

NM_005751.5(AKAP9):c.3230C>G (p.Ser1077Cys)

Gene: AKAP9 (A-kinase anchoring protein 9; plus strand). Cytogenetic location: 7q21.2.
Variant type: single nucleotide variant.
Coding change: c.3230C>G on transcript NM_005751.5 (MANE Select); coding-DNA position 3230, C replaced by G.
Protein change: p.Ser1077Cys; replaces serine 1077 with cysteine.
Molecular consequence: missense variant.
Genome position (GRCh38, 1-based): chr7:92,003,147, C>G. VCF-style: chr7-92003147-C-G. GRCh37 (hg19) VCF-style: chr7-91632461-C-G.
Other names: c.3230C>G, p.Ser1077Cys (NM_147185.3); short protein forms S1077C.
Identifiers: ClinVar variation 1729192 (VCV001729192.2), dbSNP rs1562963640, ClinGen allele CA368126558.

ClinVar aggregate classification (germline): Uncertain significance (1 of 4 stars; one submission).

Conditions:
Cardiovascular phenotype. Identifiers: MedGen CN230736.

Allele frequency attached by ClinVar (database versions not stated): TOPMed 0.00001.

Submission:

Ambry Genetics
Classification: Uncertain significance for Cardiovascular phenotype. Last evaluated: 2020-11-13. Review status: criteria provided, single submitter. Criteria: Ambry Variant Classification Scheme 2023. Collection method: clinical testing. Allele origin: germline.
Comment: The p.S1077C variant (also known as c.3230C>G), located in coding exon 8 of the AKAP9 gene, results from a C to G substitution at nucleotide position 3230. The serine at codon 1077 is replaced by cysteine, an amino acid with dissimilar properties. This amino acid position is not well conserved in available vertebrate species. In addition, this alteration is predicted to be tolerated by in silico analysis. Since supporting evidence is limited at this time, the clinical significance of this alteration remains unclear.